The following is an entry in ClinVar:

ClinVar aggregate classification (germline): Uncertain significance (1 of 4 stars; one submission).

gnomAD v4.1: 1 of 1,575,854 alleles (0.000063%); highest among the groups gnomAD compares: Non-Finnish European, 0.000086%; no homozygotes.

Submission:

GeneDx
Classification: Uncertain significance. Last evaluated: 2022-11-22. Review status: criteria provided, single submitter. Criteria: GeneDx Variant Classification Process June 2021. Collection method: clinical testing. Allele origin: germline. Affected: yes.
Comment: Not observed at significant frequency in large population cohorts (gnomAD); In silico analysis supports that this missense variant does not alter protein structure/function; Has not been previously published as pathogenic or benign to our knowledge

NM_021098.3(CACNA1H):c.6679C>T (p.Pro2227Ser)

Gene: CACNA1H (calcium voltage-gated channel subunit alpha1 H; plus strand). Cytogenetic location: 16p13.3.
Variant type: single nucleotide variant.
Coding change: c.6679C>T on transcript NM_021098.3 (MANE Select); coding-DNA position 6679, C replaced by T.
Protein change: p.Pro2227Ser; replaces proline 2227 with serine.
Molecular consequence: missense variant.
Genome position (GRCh38, 1-based): chr16:1,220,611, C>T. VCF-style: chr16-1220611-C-T. GRCh37 (hg19) VCF-style: chr16-1270611-C-T.
Other names: c.6661C>T, p.Pro2221Ser (NM_001005407.2); short protein forms P2221S, P2227S.
Identifiers: ClinVar variation 2502623 (VCV002502623.1), dbSNP rs1175451562, ClinGen allele CA394150190.